The following is an entry in ClinVar:

ClinVar aggregate classification (germline): Uncertain significance. Review status: criteria provided, multiple submitters, no conflicts (2 of 4 stars). 10 submissions from 10 submitters: Uncertain significance (9). 1 of the submissions does not count toward it. Last evaluated 2025-09-12.

Conditions:
Congenital bilateral aplasia of vas deferens from CFTR mutation (CBAVD). Identifiers: Orphanet 48, MedGen C0403814, MONDO:0010178, OMIM 277180. Disease mechanism: loss of function.
Bronchiectasis with or without elevated sweat chloride 1 (BESC1). Also called: Cystic Fibrosis-Like Syndrome. Identifiers: Orphanet 60033, MedGen C2749757, MONDO:0008887, OMIM 211400.
Hereditary pancreatitis (PCTT). Also called: PRSS1-Related Hereditary Pancreatitis; Hereditary chronic pancreatitis. Identifiers: Orphanet 676, MedGen C0238339, MONDO:0008185, OMIM 167800.
Cystic fibrosis (CF). Also called: MUCOVISCIDOSIS. Identifiers: Orphanet 586, MedGen C0010674, MONDO:0009061, OMIM 219700. Disease mechanism: loss of function.

Allele frequency attached by ClinVar (database versions not stated): TOPMed 0.00001; gnomAD exomes 0.00003; ExAC 0.00003.
gnomAD v4.1: 65 of 1,613,890 alleles (0.004%); highest among the groups gnomAD compares: South Asian, 0.025%; no homozygotes.

Submissions (10):

Ambry Genetics
Classification: Uncertain significance for Cystic fibrosis. Last evaluated: 2025-09-12. Review status: criteria provided, single submitter. Criteria: Ambry Variant Classification Scheme 2023. Collection method: clinical testing. Allele origin: germline.
Comment: The p.L233V variant (also known as c.697C>G), located in coding exon 6 of the CFTR gene, results from a C to G substitution at nucleotide position 697. The leucine at codon 233 is replaced by valine, an amino acid with highly similar properties. This amino acid position is not well conserved in available vertebrate species, and valine is the reference amino acid in other vertebrate species. In addition, this alteration is predicted to be tolerated by in silico analysis. Since supporting evidence is limited at this time, the clinical significance of this alteration remains unclear.

ARUP Laboratories, Molecular Genetics and Genomics, ARUP Laboratories
Classification: Uncertain significance. Last evaluated: 2024-08-06. Review status: criteria provided, single submitter. Criteria: ARUP Molecular Germline Variant Investigation Process 2024. Collection method: clinical testing. Allele origin: germline.
Comment: The CFTR c.697C>G; p.Leu233Val variant (rs775713428), to our knowledge, is not reported in the medical literature but is reported in ClinVar (Variation ID: 389270). This variant is observed in the general population with an overall allele frequency of 0.003% (8/251378 alleles) in the Genome Aggregation Database (v2.1.1). Computational analyses are uncertain whether this variant is neutral or deleterious (REVEL: 0.28). Due to limited information, the clinical significance of this variant is uncertain at this time.

Labcorp Genetics (formerly Invitae), Labcorp
Classification: Uncertain significance for Cystic fibrosis. Last evaluated: 2022-05-12. Review status: criteria provided, single submitter. Criteria: Invitae Variant Classification Sherloc (09022015). Collection method: clinical testing. Allele origin: germline.
Comment: This sequence change replaces leucine, which is neutral and non-polar, with valine, which is neutral and non-polar, at codon 233 of the CFTR protein (p.Leu233Val). This variant is present in population databases (rs775713428, gnomAD 0.02%). This variant has not been reported in the literature in individuals affected with CFTR-related conditions. ClinVar contains an entry for this variant (Variation ID: 389270). Algorithms developed to predict the effect of missense changes on protein structure and function output the following: SIFT: "Tolerated"; PolyPhen-2: "Benign"; Align-GVGD: "Class C0". The valine amino acid residue is found in multiple mammalian species, which suggests that this missense change does not adversely affect protein function. In summary, the available evidence is currently insufficient to determine the role of this variant in disease. Therefore, it has been classified as a Variant of Uncertain Significance.

Fulgent Genetics
Classification: Uncertain significance for Hereditary pancreatitis; Bronchiectasis with or without elevated sweat chloride 1; Cystic fibrosis; Congenital bilateral aplasia of vas deferens from CFTR mutation. Last evaluated: 2022-01-12. Review status: criteria provided, single submitter. Criteria: ACMG Guidelines, 2015. Collection method: clinical testing. Allele origin: unknown.

Genome-Nilou Lab
Classification: Uncertain significance for Cystic fibrosis. Last evaluated: 2021-09-05. Review status: criteria provided, single submitter. Criteria: ACMG Guidelines, 2015. Collection method: clinical testing. Allele origin: germline. Affected: no.

Women's Health and Genetics/Laboratory Corporation of America, LabCorp
Classification: Uncertain significance. Last evaluated: 2021-08-13. Review status: criteria provided, single submitter. Criteria: LabCorp Variant Classification Summary - May 2015. Collection method: clinical testing. Allele origin: germline.
Comment: Variant summary: CFTR c.697C>G (p.Leu233Val) results in a conservative amino acid change located in the ABC transporter type 1, transmembrane domain of the encoded protein sequence. Four of five in-silico tools predict a benign effect of the variant on protein function. The variant allele was found at a frequency of 3.2e-05 in 251378 control chromosomes. The available data on variant occurrences in the general population are insufficient to allow any conclusion about variant significance. To our knowledge, no occurrence of c.697C>G in individuals affected with Cystic Fibrosis and no experimental evidence demonstrating its impact on protein function have been reported. Three clinical diagnostic laboratories have submitted clinical-significance assessments for this variant to ClinVar after 2014 without evidence for independent evaluation. All laboratories classified the variant as uncertain significance. Based on the evidence outlined above, the variant was classified as uncertain significance.

Mayo Clinic Laboratories, Mayo Clinic
Classification: Uncertain significance. Last evaluated: 2021-05-05. Review status: criteria provided, single submitter. Criteria: ACMG Guidelines, 2015. Collection method: clinical testing. Allele origin: germline.

Johns Hopkins Genomics, Johns Hopkins University
Classification: Uncertain significance for Cystic fibrosis. Last evaluated: 2019-11-25. Review status: criteria provided, single submitter. Criteria: ACMG Guidelines, 2015. Collection method: clinical testing. Allele origin: germline.
Comment: This CFTR variant has not been reported in the literature in patients with cystic fibrosis to our knowledge. It is classified as a variant of uncertain clinical significance in ClinVar by a single submitter. This variant (rs775713428) is rare (<0.1%) in a large population dataset (gnomAD: 8/251378 total alleles; 0.0032%; no homozygotes). Three bioinformatic tools queried predict that this substitution would be tolerated. The leucine residue at this position is not highly evolutionarily conserved across the species assessed and a valine is present at this position in multiple species. We consider the clinical significance of c.697C>G to be uncertain at this time.

GeneDx
Classification: Uncertain significance. Last evaluated: 2016-09-21. Review status: criteria provided, single submitter. Criteria: GeneDx Variant Classification (06012015). Collection method: clinical testing. Allele origin: germline. Affected: yes.
Comment: The L233V variant in the CFTR gene has not been reported previously as a pathogenic variant, nor as a benign variant, to our knowledge. The L233V variant was not observed in approximately 6,500 individuals of European and African American ancestry in the NHLBI Exome Sequencing Project, indicating it is not a common benign variant in these populations. The L233V variant is a conservative amino acid substitution, which is not likely to impact secondary protein structure as these residues share similar properties. This substitution occurs at a position where amino acids with similar properties to Leucine are tolerated across species. In silico analysis is inconsistent in its predictions as to whether or not the variant is damaging to the protein structure/function. Missense variants in nearby residues (V232D, Q237E, Q237H) have been reported in the Human Gene Mutation Database in association with cystic fibrosis (Stenson et al., 2014), supporting the functional importance of this region of the protein. We interpret L233V as a variant of uncertain significance.

Natera, Inc.
Classification: Uncertain significance for Cystic Fibrosis. Last evaluated: 2018-07-03. Review status: no assertion criteria provided. Collection method: clinical testing. Allele origin: germline. Not counted in ClinVar's aggregate classification.

NM_000492.4(CFTR):c.697C>G (p.Leu233Val)

Gene: CFTR (CF transmembrane conductance regulator; plus strand). Cytogenetic location: 7q31.2.
Variant type: single nucleotide variant.
Coding change: c.697C>G on transcript NM_000492.4 (MANE Select); coding-DNA position 697, C replaced by G.
Protein change: p.Leu233Val; replaces leucine 233 with valine.
Molecular consequence: missense variant.
Genome position (GRCh38, 1-based): chr7:117,535,365, C>G. VCF-style: chr7-117535365-C-G. GRCh37 (hg19) VCF-style: chr7-117175419-C-G.
Other names: p.Leu233Val; short protein forms L233V.
Identifiers: ClinVar variation 389270 (VCV000389270.18), dbSNP rs775713428, ClinGen allele CA4450802.